The following is an entry in ClinVar:

ClinVar aggregate classification (germline): Uncertain significance (1 of 4 stars; one submission).

Conditions:
Fibrous dysplasia of jaw (CRBM). Also called: Cherubism. Identifiers: Orphanet 184, MedGen C0008029, MONDO:0007315, OMIM 118400.

Allele frequency attached by ClinVar (database versions not stated): gnomAD exomes below 0.00001.

Submission:

Labcorp Genetics (formerly Invitae), Labcorp
Classification: Uncertain significance for Fibrous dysplasia of jaw. Last evaluated: 2022-11-26. Review status: criteria provided, single submitter. Criteria: Invitae Variant Classification Sherloc (09022015). Collection method: clinical testing. Allele origin: germline.
Comment: This sequence change replaces proline, which is neutral and non-polar, with serine, which is neutral and polar, at codon 349 of the SH3BP2 protein (p.Pro349Ser). This variant is not present in population databases (gnomAD no frequency). This variant has not been reported in the literature in individuals affected with SH3BP2-related conditions. Advanced modeling of protein sequence and biophysical properties (such as structural, functional, and spatial information, amino acid conservation, physicochemical variation, residue mobility, and thermodynamic stability) performed at Invitae indicates that this missense variant is not expected to disrupt SH3BP2 protein function. In summary, the available evidence is currently insufficient to determine the role of this variant in disease. Therefore, it has been classified as a Variant of Uncertain Significance.

NM_001122681.2(SH3BP2):c.1045C>T (p.Pro349Ser)

Gene: SH3BP2 (SH3 domain binding protein 2; plus strand). Cytogenetic location: 4p16.3.
Variant type: single nucleotide variant.
Coding change: c.1045C>T on transcript NM_001122681.2 (MANE Select); coding-DNA position 1045, C replaced by T.
Protein change: p.Pro349Ser; replaces proline 349 with serine.
Molecular consequence: missense variant.
Genome position (GRCh38, 1-based): chr4:2,829,951, C>T. VCF-style: chr4-2829951-C-T. GRCh37 (hg19) VCF-style: chr4-2831678-C-T.
Other names: c.1129C>T, p.Pro377Ser (NM_001145855.2); c.1216C>T, p.Pro406Ser (NM_001145856.2); c.1045C>T, p.Pro349Ser (NM_003023.4); short protein forms P349S, P406S, P377S.
Identifiers: ClinVar variation 2886415 (VCV002886415.3), dbSNP rs2530350611, ClinGen allele CA356056896.